The following is an entry in ClinVar:

NM_004380.3(CREBBP):c.4835A>G (p.Asn1612Ser)

Gene: CREBBP (CREB binding lysine acetyltransferase; minus strand). Cytogenetic location: 16p13.3.
Variant type: single nucleotide variant.
Coding change: c.4835A>G on transcript NM_004380.3 (MANE Select); coding-DNA position 4835, A replaced by G.
Protein change: p.Asn1612Ser; replaces asparagine 1612 with serine.
Molecular consequence: missense variant.
Genome position (GRCh38, 1-based): chr16:3,731,831, T>C on the plus strand (A>G on the coding strand, the complement: CREBBP is on the minus strand). VCF-style: chr16-3731831-T-C. GRCh37 (hg19) VCF-style: chr16-3781832-T-C.
Other names: c.4835A>G (NM_004380.2); c.4721A>G, p.Asn1574Ser (NM_001079846.1); short protein forms N1574S, N1612S.
Identifiers: ClinVar variation 2740971 (VCV002740971.6), dbSNP rs764431514, ClinGen allele CA7869417.

ClinVar aggregate classification (germline): Benign/Likely benign. Review status: criteria provided, multiple submitters, no conflicts (2 of 4 stars). 3 submissions from 3 submitters: Benign (1); Likely benign (2). Last evaluated 2025-05-23.

Conditions:
Rubinstein-Taybi syndrome due to CREBBP mutations (RSTS1). Also called: CREBBP-Related Rubinstein-Taybi Syndrome; BROAD THUMB-HALLUX SYNDROME; RUBINSTEIN-TAYBI SYNDROME 1, INCOMPLETE; RUBINSTEIN SYNDROME; BROAD THUMBS AND GREAT TOES, CHARACTERISTIC FACIES, AND IMPAIRED INTELLECTUAL DEVELOPMENT; Rubinstein-Taybi syndrome 1. Identifiers: Orphanet 353277, Orphanet 783, MedGen C4551859, MONDO:0008393, OMIM 180849.
Menke-Hennekam syndrome 1 (MKHK1). Identifiers: MedGen C5193034, MONDO:0020763, OMIM 618332.
CREBBP-related disorder. Also called: CREBBP-related disorders; CREBBP-related condition.
Rubinstein-Taybi syndrome (RSTS). Identifiers: Orphanet 783, MedGen C0035934, MONDO:0019188.

Allele frequency attached by ClinVar (database versions not stated): gnomAD exomes 0.00001; ExAC 0.00004.
gnomAD v4.1: 27 of 1,614,240 alleles (0.0017%); highest among the groups gnomAD compares: East Asian, 0.027%; no homozygotes.

Submissions (3):

Labcorp Genetics (formerly Invitae), Labcorp
Classification: Benign for Rubinstein-Taybi syndrome. Last evaluated: 2025-05-23. Review status: criteria provided, single submitter. Criteria: Invitae Variant Classification Sherloc (09022015). Collection method: clinical testing. Allele origin: germline.

PreventionGenetics, part of Exact Sciences
Classification: Likely benign for CREBBP-related condition. Last evaluated: 2025-03-18. Review status: criteria provided, single submitter. Criteria: ACMG Guidelines, 2015. Collection method: clinical testing. Allele origin: germline.
Comment: This variant is classified as likely benign based on ACMG/AMP sequence variant interpretation guidelines (Richards et al. 2015 PMID: 25741868, with internal and published modifications).

Fulgent Genetics
Classification: Likely benign for Rubinstein-Taybi syndrome due to CREBBP mutations; Menke-Hennekam syndrome 1. Last evaluated: 2024-06-01. Review status: criteria provided, single submitter. Criteria: ACMG Guidelines, 2015. Collection method: clinical testing. Allele origin: germline.